The following is an entry in ClinVar:

ClinVar aggregate classification (germline): Benign/Likely benign. Review status: criteria provided, multiple submitters, no conflicts (2 of 4 stars). 7 submissions from 7 submitters: Benign (3); Likely benign (4). Last evaluated 2026-02-02.

Conditions:
Congenital myasthenic syndrome 8. Also called: Myasthenic syndrome, congenital, 8, with pre- and postsynaptic defects; MYASTHENIC SYNDROME, CONGENITAL, DUE TO AGRIN DEFICIENCY. Identifiers: Orphanet 590, MedGen C3808739, MONDO:0014052, OMIM 615120.

Allele frequency attached by ClinVar (database versions not stated): gnomAD exomes 0.00109 and 0.00456; gnomAD 0.00231 and 0.00248; TOPMed 0.00370; 1000 Genomes Project 30x 0.00547; 1000 Genomes Project 0.00559; ExAC 0.00626.
gnomAD v4.1: 1,858 of 1,471,100 alleles (0.13%); highest among the groups gnomAD compares: East Asian, 1.7%; 14 homozygotes.

Submissions (7):

Labcorp Genetics (formerly Invitae), Labcorp
Classification: Benign for Congenital myasthenic syndrome 8. Last evaluated: 2026-02-02. Review status: criteria provided, single submitter. Criteria: Invitae Variant Classification Sherloc (09022015). Collection method: clinical testing. Allele origin: germline.

Blueprint Genetics
Classification: Likely benign. Last evaluated: 2024-11-21. Review status: criteria provided, single submitter. Criteria: ACMG Guidelines, 2015. Collection method: clinical testing. Allele origin: germline.

Mayo Clinic Laboratories, Mayo Clinic
Classification: Benign. Last evaluated: 2024-07-30. Review status: criteria provided, single submitter. Criteria: ACMG Guidelines, 2015. Collection method: clinical testing. Allele origin: germline. Observed: 2 variant alleles.
Comment: BS1, BS2, BP4

GeneDx
Classification: Likely benign. Last evaluated: 2019-11-17. Review status: criteria provided, single submitter. Criteria: GeneDx Variant Classification Process June 2021. Collection method: clinical testing. Allele origin: germline. Affected: yes.

Genetic Services Laboratory, University of Chicago
Classification: Likely benign. Last evaluated: 2015-11-11. Review status: criteria provided, single submitter. Criteria: ACMG Guidelines, 2015. Collection method: clinical testing. Allele origin: germline. Affected: no.

Breakthrough Genomics
Classification: Likely benign. Review status: criteria provided, single submitter. Criteria: ACMG Guidelines, 2015. Collection method: not provided. Allele origin: germline. Inheritance: Autosomal recessive inheritance. Affected: yes.

PreventionGenetics, part of Exact Sciences
Classification: Benign. Review status: criteria provided, single submitter. Criteria: ACMG Guidelines, 2015. Collection method: clinical testing. Allele origin: germline.

Literature cited by the submitters: PubMed 38418480 (cited by Mayo Clinic Laboratories, Mayo Clinic).

NM_198576.4(AGRN):c.773C>T (p.Thr258Ile)

Gene: AGRN (agrin; plus strand). Cytogenetic location: 1p36.33.
Variant type: single nucleotide variant.
Coding change: c.773C>T on transcript NM_198576.4 (MANE Select); coding-DNA position 773, C replaced by T.
Protein change: p.Thr258Ile; replaces threonine 258 with isoleucine.
Molecular consequence: missense variant.
Genome position (GRCh38, 1-based): chr1:1,041,218, C>T. VCF-style: chr1-1041218-C-T. GRCh37 (hg19) VCF-style: chr1-976598-C-T.
Other names: p.Thr258Ile; c.773C>T (LRG_198t1); c.773C>T, p.Thr258Ile (NM_001305275.2); c.458C>T, p.Thr153Ile (NM_001364727.2); short protein forms T258I, T153I.
Identifiers: ClinVar variation 263204 (VCV000263204.23), dbSNP rs200607541, ClinGen allele CA507918.
Genomic context (GRCh38, chr1:1,041,218, plus strand): 5'-AAGCCCCGCCCGCAGGCTCGCGGGACCCCTGCTCCAACGTGACCTGCAGCTTCGGCAGCA[C>T]CTGTGCGCGCTCGGCCGACGGGCTGACGGCCTCGTGCCTGTGCCCCGCGACCTGCCGTGG-3'
Protein context (NP_940978.2, residues 248-268): CSNVTCSFGS[Thr258Ile]CARSADGLTA